The following is an entry in ClinVar:

ClinVar aggregate classification (germline): Likely benign. Review status: criteria provided, single submitter (1 of 4 stars). 2 submissions from 2 submitters: Likely benign (1). 1 of the submissions does not count toward it. Last evaluated 2025-02-10.

Conditions:
Frontotemporal dementia (FTD1). Also called: Frontotemporal lobe dementia (FLDEM); WILHELMSEN-LYNCH DISEASE; Dementia, frontotemporal, with or without parkinsonism; FRONTOTEMPORAL DEMENTIA WITH PARKINSONISM; FRONTOTEMPORAL LOBE DEMENTIA; MULTIPLE SYSTEM TAUOPATHY WITH PRESENILE DEMENTIA. Identifiers: Orphanet 282, MedGen C0338451, MONDO:0017276, OMIM 600274, HP:0002145.
MAPT-related disorder. Also called: MAPT-related condition; MAPT-Related Disorders.

Allele frequency attached by ClinVar (database versions not stated): TOPMed below 0.00001; gnomAD exomes 0.00001; ExAC 0.00002; gnomAD 0.00002.
gnomAD v4.1: 22 of 1,613,616 alleles (0.0014%); highest among the groups gnomAD compares: Middle Eastern, 0.016%; no homozygotes.

Submissions (2):

Labcorp Genetics (formerly Invitae), Labcorp
Classification: Likely benign for Frontotemporal dementia. Last evaluated: 2025-02-10. Review status: criteria provided, single submitter. Criteria: Invitae Variant Classification Sherloc (09022015). Collection method: clinical testing. Allele origin: germline.

PreventionGenetics, part of Exact Sciences
Classification: Likely benign for MAPT-related condition. Last evaluated: 2023-06-07. Review status: no assertion criteria provided. Collection method: clinical testing. Allele origin: germline. Not counted in ClinVar's aggregate classification.
Comment: This variant is classified as likely benign based on ACMG/AMP sequence variant interpretation guidelines (Richards et al. 2015 PMID: 25741868, with internal and published modifications).

NM_001377265.1(MAPT):c.1992C>T (p.Gly664=)

Gene: MAPT (microtubule associated protein tau). Cytogenetic location: 17q21.31.
Variant type: single nucleotide variant.
Coding change: c.1992C>T on transcript NM_001377265.1 (MANE Select); coding-DNA position 1992, C replaced by T.
Protein change: p.Gly664=; no amino-acid change (glycine 664 retained).
Molecular consequence: synonymous variant. On other transcripts: non-coding transcript variant (1).
Genome position (GRCh38, 1-based): chr17:45,996,658, C>T. VCF-style: chr17-45996658-C-T. GRCh37 (hg19) VCF-style: chr17-44074024-C-T.
Other names: c.1821C>T, p.Gly607= (NM_001123066.4); c.729C>T, p.Gly243= (NM_001123067.4, NM_001203251.2, NM_001377267.1); c.816C>T, p.Gly272= (NM_001203252.2, NM_005910.6); c.1794C>T, p.Gly598= (NM_001377266.1); c.642C>T, p.Gly214= (NM_001377268.1, NM_016834.5, NM_016841.5); c.1767C>T, p.Gly589= (NM_016835.5); c.1821C>T (NM_001123066.3).
Identifiers: ClinVar variation 2066355 (VCV002066355.6), dbSNP rs777340451, ClinGen allele CA8618066.